The following is an entry in ClinVar:

ClinVar aggregate classification (germline): Pathogenic (1 of 4 stars; one submission).

Submission:

Labcorp Genetics (formerly Invitae), Labcorp
Classification: Pathogenic. Last evaluated: 2025-06-10. Review status: criteria provided, single submitter. Criteria: Invitae Variant Classification Sherloc (09022015). Collection method: clinical testing. Allele origin: germline.
Comment: This sequence change creates a premature translational stop signal (p.Ser1612Alafs*148) in the CACNA1F gene. It is expected to result in an absent or disrupted protein product. Loss-of-function variants in CACNA1F are known to be pathogenic (PMID: 9662399, 11281458, 17525176, 22194652, 24124559, 26992781). This variant is not present in population databases (gnomAD no frequency). This variant has not been reported in the literature in individuals affected with CACNA1F-related conditions. ClinVar contains an entry for this variant (Variation ID: 1453333). For these reasons, this variant has been classified as Pathogenic.

Literature cited by the submitters: PubMed 9662399; PubMed 11281458; PubMed 17525176; PubMed 22194652; PubMed 24124559; PubMed 26992781.

NM_001256789.3(CACNA1F):c.4800del (p.Ser1601fs)

Genes: CACNA1F (calcium voltage-gated channel subunit alpha1 F; minus strand), LOC126863257 (BRD4-independent group 4 enhancer GRCh37_chrX:49065732-49066931; plus strand). Cytogenetic location: Xp11.23.
Variant type: Deletion.
Coding change: c.4800del on transcript NM_001256789.3 (MANE Select); coding-DNA position 4800, one base deleted (T; older notation c.4800delT).
Protein change: p.Ser1601fs; shifts the reading frame from serine 1601.
Molecular consequence: frameshift variant.
Genome position (GRCh38, 1-based): chrX:49,209,650, A deleted on the plus strand (T on the coding strand, the reverse complement: CACNA1F is on the minus strand). VCF-style (leftmost placement, unchanged base first): chrX-49209649-TA-T. GRCh37 (hg19) VCF-style: chrX-49066109-TA-T.
Other names: c.4833del, p.Ser1612fs (NM_005183.4); c.4638del, p.Ser1547fs (NM_001256790.3); short protein forms S1612fs, S1547fs, S1601fs.
Identifiers: ClinVar variation 1453333 (VCV001453333.6), dbSNP rs2147894739, ClinGen allele CA2573158895.